The following is an entry in ClinVar:

NM_004991.4(MECOM):c.2558G>C (p.Gly853Ala)

Gene: MECOM (MDS1 and EVI1 complex locus; minus strand). Cytogenetic location: 3q26.2.
Variant type: single nucleotide variant.
Coding change: c.2558G>C on transcript NM_004991.4 (MANE Select); coding-DNA position 2558, G replaced by C.
Protein change: p.Gly853Ala; replaces glycine 853 with alanine.
Molecular consequence: missense variant.
Genome position (GRCh38, 1-based): chr3:169,112,806, C>G on the plus strand (G>C on the coding strand, the complement: MECOM is on the minus strand). VCF-style: chr3-169112806-C-G. GRCh37 (hg19) VCF-style: chr3-168830594-C-G.
Other names: c.2189G>C, p.Gly730Ala (NM_001105077.4); c.1994G>C, p.Gly665Ala (NM_001105078.4, NM_001164000.2, NM_001205194.2 and 4 more transcripts); c.1997G>C, p.Gly666Ala (NM_001163999.2, NM_001366467.2, NM_001366468.2 and 1 more transcripts); c.2558G>C, p.Gly853Ala (NM_001366466.2); c.1586G>C, p.Gly529Ala (NM_001366473.2); c.1022G>C, p.Gly341Ala (NM_001366474.2); short protein forms G529A, G730A, G853A, G665A, G341A, G666A.
Identifiers: ClinVar variation 4053272 (VCV004053272.2).

ClinVar aggregate classification (germline): Uncertain significance. Review status: criteria provided, multiple submitters, no conflicts (2 of 4 stars). 2 submissions from 2 submitters: Uncertain significance (2). Last evaluated 2025-12-21.

Conditions:
Inborn genetic diseases. Identifiers: MedGen C0950123, MeSH D030342.

gnomAD v4.1: 3 of 1,612,914 alleles (0.00019%); highest among the groups gnomAD compares: Non-Finnish European, 0.00025%; no homozygotes.

Submissions (2):

Labcorp Genetics (formerly Invitae), Labcorp
Classification: Uncertain significance. Last evaluated: 2025-12-21. Review status: criteria provided, single submitter. Criteria: Invitae Variant Classification Sherloc (09022015). Collection method: clinical testing. Allele origin: germline.
Comment: This sequence change replaces glycine, which is neutral and non-polar, with alanine, which is neutral and non-polar, at codon 665 of the MECOM protein (p.Gly665Ala). This variant is present in population databases (no rsID available, gnomAD 0.0009%). This variant has not been reported in the literature in individuals affected with MECOM-related conditions. ClinVar contains an entry for this variant (Variation ID: 4053272). An algorithm developed to predict the effect of missense changes on protein structure and function (PolyPhen-2) suggests that this variant is likely to be disruptive. In summary, the available evidence is currently insufficient to determine the role of this variant in disease. Therefore, it has been classified as a Variant of Uncertain Significance.

Ambry Genetics
Classification: Uncertain significance for Inborn genetic diseases. Last evaluated: 2025-05-19. Review status: criteria provided, single submitter. Criteria: Ambry Variant Classification Scheme 2023. Collection method: clinical testing. Allele origin: germline.
Comment: The p.G853A variant (also known as c.2558G>C), located in coding exon 9 of the MECOM gene, results from a G to C substitution at nucleotide position 2558. The glycine at codon 853 is replaced by alanine, an amino acid with similar properties. This amino acid position is conserved. In addition, the in silico prediction for this alteration is inconclusive. Based on the available evidence, the clinical significance of this variant remains unclear.